The following is an entry in ClinVar:

NM_014727.3(KMT2B):c.1946C>T (p.Ala649Val)

Gene: KMT2B (lysine methyltransferase 2B; plus strand). Cytogenetic location: 19q13.12.
Variant type: single nucleotide variant.
Coding change: c.1946C>T on transcript NM_014727.3 (MANE Select); coding-DNA position 1946, C replaced by T.
Protein change: p.Ala649Val; replaces alanine 649 with valine.
Molecular consequence: missense variant.
Genome position (GRCh38, 1-based): chr19:35,721,293, C>T. VCF-style: chr19-35721293-C-T. GRCh37 (hg19) VCF-style: chr19-36212195-C-T.
Other names: short protein forms A649V.
Identifiers: ClinVar variation 3646501 (VCV003646501.2).

ClinVar aggregate classification (germline): Uncertain significance (1 of 4 stars; one submission).

Submission:

Labcorp Genetics (formerly Invitae), Labcorp
Classification: Uncertain significance. Last evaluated: 2024-04-27. Review status: criteria provided, single submitter. Criteria: Invitae Variant Classification Sherloc (09022015). Collection method: clinical testing. Allele origin: germline.
Comment: This sequence change replaces alanine, which is neutral and non-polar, with valine, which is neutral and non-polar, at codon 649 of the KMT2B protein (p.Ala649Val). This variant is not present in population databases (gnomAD no frequency). This variant has not been reported in the literature in individuals affected with KMT2B-related conditions. Advanced modeling of protein sequence and biophysical properties (such as structural, functional, and spatial information, amino acid conservation, physicochemical variation, residue mobility, and thermodynamic stability) has been performed at Invitae for this missense variant, however the output from this modeling did not meet the statistical confidence thresholds required to predict the impact of this variant on KMT2B protein function. In summary, the available evidence is currently insufficient to determine the role of this variant in disease. Therefore, it has been classified as a Variant of Uncertain Significance.